The following is an entry in ClinVar:

NM_001348768.2(HECW2):c.358C>A (p.Gln120Lys)

Gene: HECW2 (HECT, C2 and WW domain containing E3 ubiquitin protein ligase 2; minus strand). Cytogenetic location: 2q32.3.
Variant type: single nucleotide variant.
Coding change: c.358C>A on transcript NM_001348768.2 (MANE Select); coding-DNA position 358, C replaced by A.
Protein change: p.Gln120Lys; replaces glutamine 120 with lysine.
Molecular consequence: missense variant. On other transcripts: 5 prime UTR variant (1).
Genome position (GRCh38, 1-based): chr2:196,343,699, G>T on the plus strand (C>A on the coding strand, the complement: HECW2 is on the minus strand). VCF-style: chr2-196343699-G-T. GRCh37 (hg19) VCF-style: chr2-197208423-G-T.
Other names: c.-539C>A (NM_001304840.3); c.358C>A, p.Gln120Lys (NM_020760.4); short protein forms Q120K.
Identifiers: ClinVar variation 2585550 (VCV002585550.1), dbSNP rs2469154148, ClinGen allele CA350010510.
Genomic context (GRCh38, chr2:196,343,699, plus strand): 5'-TCACACTTAGTTACTTACGTTCCATGAAATAGGGCCCAGGCTCAATTCTCCATACAATTT[G>T]CCCTTTTTGTGTTCCAGTCACACCCCTGTTCTTAGAATCCCAGAAGTTGGCTGGAGAATT-3'
Protein context (NP_001335697.1, residues 110-130): NRGVTGTQKG[Gln120Lys]IVWRIEPGPY

ClinVar aggregate classification (germline): Uncertain significance (1 of 4 stars; one submission).

Conditions:
Neurodevelopmental disorder with hypotonia, seizures, and absent language (NDHSAL). Identifiers: MedGen C4310643, MONDO:0014995, OMIM 617268.

Submission:

Neuberg Centre For Genomic Medicine, NCGM
Classification: Uncertain significance for Neurodevelopmental disorder with hypotonia, seizures, and absent language. Review status: criteria provided, single submitter. Criteria: ACMG Guidelines, 2015. Collection method: clinical testing. Allele origin: germline. Inheritance: Autosomal dominant inheritance. Affected: yes.
Comment: The missense variant in c.358C>A(p.Gln120Lys) in HECW2 gene has not been reported previously as a pathogenic variant nor as a benign variant, to our knowledge. The p.Gln120Lys variant is novel (not in any individuals) in gnomAD Exomes and 1000 Genomes. The amino acid Gln at position 120 is changed to a Lys changing protein sequence and it might alter its composition and physico-chemical properties. For these reasons, this variant has been classified as uncertain significance.